The following is an entry in ClinVar:

NM_024422.6(DSC2):c.1709T>C (p.Val570Ala)

Gene: DSC2 (desmocollin 2; minus strand). Cytogenetic location: 18q12.1.
Variant type: single nucleotide variant.
Coding change: c.1709T>C on transcript NM_024422.6 (MANE Select); coding-DNA position 1709, T replaced by C.
Protein change: p.Val570Ala; replaces valine 570 with alanine.
Molecular consequence: missense variant.
Genome position (GRCh38, 1-based): chr18:31,074,862, A>G on the plus strand (T>C on the coding strand, the complement: DSC2 is on the minus strand). VCF-style: chr18-31074862-A-G. GRCh37 (hg19) VCF-style: chr18-28654828-A-G.
Other names: c.1280T>C, p.Val427Ala (NM_001406506.1, NM_001406507.1); c.1709T>C, p.Val570Ala (NM_004949.5); short protein forms V570A, V427A.
Identifiers: ClinVar variation 3273790 (VCV003273790.1).

ClinVar aggregate classification (germline): Uncertain significance (1 of 4 stars; one submission).

Conditions:
Cardiovascular phenotype. Identifiers: MedGen CN230736.

gnomAD v4.1: 5 of 1,613,958 alleles (0.00031%); highest among the groups gnomAD compares: Non-Finnish European, 0.00042%; no homozygotes.

Submission:

Ambry Genetics
Classification: Uncertain significance for Cardiovascular phenotype. Last evaluated: 2024-05-26. Review status: criteria provided, single submitter. Criteria: Ambry Variant Classification Scheme 2023. Collection method: clinical testing. Allele origin: germline.
Comment: The p.V570A variant (also known as c.1709T>C), located in coding exon 12 of the DSC2 gene, results from a T to C substitution at nucleotide position 1709. The valine at codon 570 is replaced by alanine, an amino acid with similar properties. This amino acid position is conserved. In addition, the in silico prediction for this alteration is inconclusive. Based on the available evidence, the clinical significance of this variant remains unclear.